The following is an entry in ClinVar:

NM_198578.4(LRRK2):c.5678T>C (p.Val1893Ala)

Gene: LRRK2 (leucine rich repeat kinase 2; plus strand). Cytogenetic location: 12q12.
Variant type: single nucleotide variant.
Coding change: c.5678T>C on transcript NM_198578.4 (MANE Select); coding-DNA position 5678, T replaced by C.
Protein change: p.Val1893Ala; replaces valine 1893 with alanine.
Molecular consequence: missense variant.
Genome position (GRCh38, 1-based): chr12:40,328,381, T>C. VCF-style: chr12-40328381-T-C. GRCh37 (hg19) VCF-style: chr12-40722183-T-C.
Other names: short protein forms V1893A.
Identifiers: ClinVar variation 1748996 (VCV001748996.3), dbSNP rs2499907338, ClinGen allele CA384399414.

ClinVar aggregate classification (germline): Uncertain significance (1 of 4 stars; one submission).

Conditions:
Inborn genetic diseases. Identifiers: MedGen C0950123, MeSH D030342.

Submission:

Ambry Genetics
Classification: Uncertain significance for Inborn genetic diseases. Last evaluated: 2024-11-05. Review status: criteria provided, single submitter. Criteria: Ambry Variant Classification Scheme 2023. Collection method: clinical testing. Allele origin: germline.
Comment: The c.5678T>C (p.V1893A) alteration is located in exon 39 (coding exon 39) of the LRRK2 gene. This alteration results from a T to C substitution at nucleotide position 5678, causing the valine (V) at amino acid position 1893 to be replaced by an alanine (A). This variant was not reported in population-based cohorts in the Genome Aggregation Database (gnomAD). This amino acid position is highly conserved in available vertebrate species. This alteration is predicted to be deleterious by in silico analysis. Based on insufficient or conflicting evidence, the clinical significance of this alteration remains unclear.